The following is an entry in ClinVar:

ClinVar aggregate classification (germline): Uncertain significance. Review status: criteria provided, multiple submitters, no conflicts (2 of 4 stars). 2 submissions from 2 submitters: Uncertain significance (2). Last evaluated 2024-10-22.

Allele frequency attached by ClinVar (database versions not stated): gnomAD 0.00001; TOPMed 0.00001; ExAC 0.00003; ESP Exome Variant Server 0.00008.
gnomAD v4.1: 28 of 1,614,026 alleles (0.0017%); highest among the groups gnomAD compares: East Asian, 0.0022%; no homozygotes.

Submissions (2):

Labcorp Genetics (formerly Invitae), Labcorp
Classification: Uncertain significance. Last evaluated: 2024-10-22. Review status: criteria provided, single submitter. Criteria: Invitae Variant Classification Sherloc (09022015). Collection method: clinical testing. Allele origin: germline.
Comment: This sequence change replaces asparagine, which is neutral and polar, with serine, which is neutral and polar, at codon 59 of the PITPNM3 protein (p.Asn59Ser). This variant is present in population databases (rs371146567, gnomAD 0.006%). This variant has not been reported in the literature in individuals affected with PITPNM3-related conditions. An algorithm developed to predict the effect of missense changes on protein structure and function (PolyPhen-2) suggests that this variant is likely to be disruptive. In summary, the available evidence is currently insufficient to determine the role of this variant in disease. Therefore, it has been classified as a Variant of Uncertain Significance.

Blueprint Genetics
Classification: Uncertain significance. Last evaluated: 2024-02-19. Review status: criteria provided, single submitter. Criteria: ACMG Guidelines, 2015. Collection method: clinical testing. Allele origin: germline.

NM_031220.4(PITPNM3):c.176A>G (p.Asn59Ser)

Gene: PITPNM3 (PITPNM family member 3; minus strand). Cytogenetic location: 17p13.1.
Variant type: single nucleotide variant.
Coding change: c.176A>G on transcript NM_031220.4 (MANE Select); coding-DNA position 176, A replaced by G.
Protein change: p.Asn59Ser; replaces asparagine 59 with serine.
Molecular consequence: missense variant. On other transcripts: intron variant (1).
Genome position (GRCh38, 1-based): chr17:6,525,406, T>C on the plus strand (A>G on the coding strand, the complement: PITPNM3 is on the minus strand). VCF-style: chr17-6525406-T-C. GRCh37 (hg19) VCF-style: chr17-6428726-T-C.
Other names: c.118+12581A>G (NM_001165966.2); short protein forms N59S.
Identifiers: ClinVar variation 2916277 (VCV002916277.4), dbSNP rs371146567, ClinGen allele CA8329935.